The following is an entry in ClinVar:

NM_139137.4(KCNC2):c.1451T>C (p.Met484Thr)

Gene: KCNC2 (potassium voltage-gated channel subfamily C member 2; minus strand). Cytogenetic location: 12q21.1.
Variant type: single nucleotide variant.
Coding change: c.1451T>C on transcript NM_139137.4 (MANE Select); coding-DNA position 1451, T replaced by C.
Protein change: p.Met484Thr; replaces methionine 484 with threonine.
Molecular consequence: missense variant. On other transcripts: non-coding transcript variant (1).
Genome position (GRCh38, 1-based): chr12:75,050,554, A>G on the plus strand (T>C on the coding strand, the complement: KCNC2 is on the minus strand). VCF-style: chr12-75050554-A-G. GRCh37 (hg19) VCF-style: chr12-75444334-A-G.
Other names: c.1451T>C, p.Met484Thr (NM_001260497.2, NM_001260498.2, NM_001260499.2 and 13 more transcripts); short protein forms M484T.
Identifiers: ClinVar variation 5037451 (VCV005037451.1).

ClinVar aggregate classification (germline): Uncertain significance (1 of 4 stars; one submission).

Submission:

GeneDx
Classification: Uncertain significance. Last evaluated: 2026-04-20. Review status: criteria provided, single submitter. Criteria: GeneDx Variant Classification Process June 2021. Collection method: clinical testing. Allele origin: germline.
Comment: Not observed at significant frequency in large population cohorts (gnomAD); In silico analysis supports that this missense variant has a deleterious effect on protein structure/function; Has not been previously published as pathogenic or benign to our knowledge